The following is an entry in ClinVar:

ClinVar aggregate classification (germline): Benign. Review status: criteria provided, multiple submitters, no conflicts (2 of 4 stars). 9 submissions from 8 submitters: Benign (7). 2 of the submissions do not count toward it. Last evaluated 2026-02-04.

Conditions:
Van Maldergem syndrome 2 (VMLDS2). Identifiers: Orphanet 314679, MedGen C3809875, MONDO:0014242, OMIM 615546.
Hennekam lymphangiectasia-lymphedema syndrome 2 (HKLLS2). Identifiers: Orphanet 2136, MedGen C4014939, MONDO:0014454, OMIM 616006.

Allele frequency attached by ClinVar (database versions not stated): 1000 Genomes Project 0.15695; 1000 Genomes Project 30x 0.16318; ExAC 0.17264; gnomAD exomes 0.17375 and 0.17376; gnomAD 0.18678 and 0.19007; ESP Exome Variant Server 0.19245; TOPMed 0.19258.
gnomAD v4.1: 282,161 of 1,613,930 alleles (17%); highest among the groups gnomAD compares: Middle Eastern, 23%; 25,986 homozygotes.

Submissions (9):

Labcorp Genetics (formerly Invitae), Labcorp
Classification: Benign. Last evaluated: 2026-02-04. Review status: criteria provided, single submitter. Criteria: Invitae Variant Classification Sherloc (09022015). Collection method: clinical testing. Allele origin: germline.

Blueprint Genetics
Classification: Benign. Last evaluated: 2024-11-26. Review status: criteria provided, single submitter. Criteria: ACMG Guidelines, 2015. Collection method: clinical testing. Allele origin: germline.

Unidad de Genómica Garrahan, Hospital de Pediatría Garrahan
Classification: Benign. Last evaluated: 2024-01-24. Review status: criteria provided, single submitter. Criteria: ACMG Guidelines, 2015. Collection method: clinical testing. Allele origin: germline. Affected: no. Observed: 37 variant alleles.
Comment: This variant is classified as Benign based on local population frequency. This variant was detected in 39% of patients studied by a panel of primary immunodeficiencies. Number of patients: 37. Only high quality variants are reported.

Genome-Nilou Lab
Classification: Benign for Hennekam lymphangiectasia-lymphedema syndrome 2. Last evaluated: 2021-08-10. Review status: criteria provided, single submitter. Criteria: ACMG Guidelines, 2015. Collection method: clinical testing. Allele origin: germline. Affected: no.

Genome-Nilou Lab
Classification: Benign for Van Maldergem syndrome 2. Last evaluated: 2021-08-10. Review status: criteria provided, single submitter. Criteria: ACMG Guidelines, 2015. Collection method: clinical testing. Allele origin: germline. Affected: no.

GeneDx
Classification: Benign. Last evaluated: 2016-01-14. Review status: criteria provided, single submitter. Criteria: GeneDx Variant Classification (06012015). Collection method: clinical testing. Allele origin: germline. Affected: yes.
Comment: This variant is considered likely benign or benign based on one or more of the following criteria: it is a conservative change, it occurs at a poorly conserved position in the protein, it is predicted to be benign by multiple in silico algorithms, and/or has population frequency not consistent with disease.

Breakthrough Genomics
Classification: Benign. Review status: criteria provided, single submitter. Criteria: ACMG Guidelines, 2015. Collection method: not provided. Allele origin: germline. Inheritance: Autosomal recessive inheritance. Affected: yes.

Clinical Genetics DNA and cytogenetics Diagnostics Lab, Erasmus MC, Erasmus Medical Center
Classification: Benign. Review status: no assertion criteria provided. Collection method: clinical testing. Allele origin: germline. Affected: yes. Study: VKGL Data-share Consensus. Not counted in ClinVar's aggregate classification.

Clinical Genetics, Academic Medical Center
Classification: Benign. Review status: no assertion criteria provided. Collection method: clinical testing. Allele origin: germline. Affected: yes. Study: VKGL Data-share Consensus. Not counted in ClinVar's aggregate classification.

NM_001291303.3(FAT4):c.13623G>A (p.Glu4541=)

Gene: FAT4 (FAT atypical cadherin 4; plus strand). Cytogenetic location: 4q28.1.
Variant type: single nucleotide variant.
Coding change: c.13623G>A on transcript NM_001291303.3 (MANE Select); coding-DNA position 13623, G replaced by A.
Protein change: p.Glu4541=; no amino-acid change (glutamic acid 4541 retained).
Molecular consequence: synonymous variant.
Genome position (GRCh38, 1-based): chr4:125,490,439, G>A. VCF-style: chr4-125490439-G-A. GRCh37 (hg19) VCF-style: chr4-126411594-G-A.
Other names: c.13620G>A, p.Glu4540= (NM_001291285.3); c.13617G>A, p.Glu4539= (NM_024582.6).
Identifiers: ClinVar variation 380809 (VCV000380809.16), dbSNP rs62312781, ClinGen allele CA3074403.